The following is an entry in ClinVar:

NM_024757.5(EHMT1):c.3790C>T (p.Arg1264Trp)

Gene: EHMT1 (euchromatic histone lysine methyltransferase 1; plus strand). Cytogenetic location: 9q34.3.
Variant type: single nucleotide variant.
Coding change: c.3790C>T on transcript NM_024757.5 (MANE Select); coding-DNA position 3790, C replaced by T.
Protein change: p.Arg1264Trp; replaces arginine 1264 with tryptophan.
Molecular consequence: missense variant.
Genome position (GRCh38, 1-based): chr9:137,834,846, C>T. VCF-style: chr9-137834846-C-T. GRCh37 (hg19) VCF-style: chr9-140729298-C-T.
Other names: c.3769C>T, p.Arg1257Trp (NM_001354263.2); c.3790C>T (NM_024757.4); short protein forms R1257W, R1264W.
Identifiers: ClinVar variation 2427945 (VCV002427945.9), dbSNP rs771865409, ClinGen allele CA5375475.

ClinVar aggregate classification (germline): Uncertain significance. Review status: criteria provided, multiple submitters, no conflicts (2 of 4 stars). 2 submissions from 2 submitters: Uncertain significance (2). Last evaluated 2024-05-28.

Conditions:
Kleefstra syndrome 1 (KLEFS1). Identifiers: Orphanet 261494, MedGen C0795833, MONDO:0027407, OMIM 610253.
EHMT1-related disorder. Also called: EHMT1-related condition.

Allele frequency attached by ClinVar (database versions not stated): gnomAD exomes below 0.00001; TOPMed below 0.00001; ExAC 0.00001.

Submissions (2):

GeneDx
Classification: Uncertain significance. Last evaluated: 2024-05-28. Review status: criteria provided, single submitter. Criteria: GeneDx Variant Classification Process June 2021. Collection method: clinical testing. Allele origin: germline. Affected: yes.
Comment: Not observed at significant frequency in large population cohorts (gnomAD); In silico analysis supports that this missense variant has a deleterious effect on protein structure/function; Has not been previously published as pathogenic or benign to our knowledge

Labcorp Genetics (formerly Invitae), Labcorp
Classification: Uncertain significance for Kleefstra syndrome 1. Last evaluated: 2023-05-30. Review status: criteria provided, single submitter. Criteria: Invitae Variant Classification Sherloc (09022015). Collection method: clinical testing. Allele origin: germline.
Comment: In summary, the available evidence is currently insufficient to determine the role of this variant in disease. Therefore, it has been classified as a Variant of Uncertain Significance. Advanced modeling of protein sequence and biophysical properties (such as structural, functional, and spatial information, amino acid conservation, physicochemical variation, residue mobility, and thermodynamic stability) performed at Invitae indicates that this missense variant is not expected to disrupt EHMT1 protein function. ClinVar contains an entry for this variant (Variation ID: 2427945). This variant has not been reported in the literature in individuals affected with EHMT1-related conditions. This variant is present in population databases (rs771865409, gnomAD 0.0009%). This sequence change replaces arginine, which is basic and polar, with tryptophan, which is neutral and slightly polar, at codon 1264 of the EHMT1 protein (p.Arg1264Trp).